The following is an entry in ClinVar:

NM_001252024.2(TRPM1):c.1261C>A (p.Pro421Thr)

Gene: TRPM1 (transient receptor potential cation channel subfamily M member 1; minus strand). Cytogenetic location: 15q13.3.
Variant type: single nucleotide variant.
Coding change: c.1261C>A on transcript NM_001252024.2 (MANE Select); coding-DNA position 1261, C replaced by A.
Protein change: p.Pro421Thr; replaces proline 421 with threonine.
Molecular consequence: missense variant.
Genome position (GRCh38, 1-based): chr15:31,060,546, G>T on the plus strand (C>A on the coding strand, the complement: TRPM1 is on the minus strand). VCF-style: chr15-31060546-G-T. GRCh37 (hg19) VCF-style: chr15-31352749-G-T.
Other names: c.1312C>A (NM_001252020.1); c.1312C>A, p.Pro438Thr (NM_001252020.2); c.1195C>A, p.Pro399Thr (NM_002420.6); short protein forms P421T, P399T, P438T.
Identifiers: ClinVar variation 777695 (VCV000777695.46), dbSNP rs141540242, ClinGen allele CA7452636.

ClinVar aggregate classification (germline): Benign/Likely benign. Review status: criteria provided, multiple submitters, no conflicts (2 of 4 stars). 5 submissions from 5 submitters: Benign (4); Likely benign (1). Last evaluated 2026-01-26.

Conditions:
Congenital stationary night blindness 1C. Also called: Night blindness, congenital stationary (complete), 1C, autosomal recessive. Identifiers: Orphanet 215, MedGen C2750747, MONDO:0013183, OMIM 613216.

Allele frequency attached by ClinVar (database versions not stated): 1000 Genomes Project 0.00359; 1000 Genomes Project 30x 0.00390; TOPMed 0.00746; gnomAD 0.00796 and 0.00803; gnomAD exomes 0.00865 and 0.01222; ESP Exome Variant Server 0.00878; ExAC 0.00905.
gnomAD v4.1: 18,891 of 1,613,682 alleles (1.2%); highest among the groups gnomAD compares: Non-Finnish European, 1.4%; 141 homozygotes.

Submissions (5):

Labcorp Genetics (formerly Invitae), Labcorp
Classification: Benign. Last evaluated: 2026-01-26. Review status: criteria provided, single submitter. Criteria: Invitae Variant Classification Sherloc (09022015). Collection method: clinical testing. Allele origin: germline.

CeGaT Center for Human Genetics Tuebingen
Classification: Benign. Last evaluated: 2025-09-01. Review status: criteria provided, single submitter. Criteria: CeGaT Center For Human Genetics Tuebingen Variant Classification Criteria Version 2. Collection method: clinical testing. Allele origin: germline. Affected: yes. Observed: 3 variant alleles.
Comment: TRPM1: BS1, BS2

Genomic Medicine Center of Excellence, King Faisal Specialist Hospital and Research Centre
Classification: Likely benign. Last evaluated: 2025-08-18. Review status: criteria provided, single submitter. Criteria: ACMG Guidelines, 2015. Collection method: clinical testing. Allele origin: germline.

Illumina Laboratory Services, Illumina
Classification: Benign for Congenital stationary night blindness 1C. Last evaluated: 2018-01-13. Review status: criteria provided, single submitter. Criteria: ICSL Variant Classification Criteria 13 December 2019. Collection method: clinical testing. Allele origin: germline.
Comment: This variant was observed in the ICSL laboratory as part of a predisposition screen in an ostensibly healthy population. It had not been previously curated by ICSL or reported in the Human Gene Mutation Database (HGMD: prior to June 1st, 2018), and was therefore a candidate for classification through an automated scoring system. Utilizing variant allele frequency, disease prevalence and penetrance estimates, and inheritance mode, an automated score was calculated to assess if this variant is too frequent to cause the disease. Based on the score and internal cut-off values, a variant classified as benign is not then subjected to further curation. The score for this variant resulted in a classification of benign for this disease.

Breakthrough Genomics
Classification: Benign. Review status: criteria provided, single submitter. Criteria: ACMG Guidelines, 2015. Collection method: not provided. Allele origin: germline. Inheritance: Unknown mechanism. Affected: yes.